The following is an entry in ClinVar:

ClinVar aggregate classification (germline): Likely benign (1 of 4 stars; one submission).

Allele frequency attached by ClinVar (database versions not stated): TOPMed 0.00009; gnomAD exomes 0.00010; gnomAD 0.00011; ESP Exome Variant Server 0.00015; ExAC 0.00016.
gnomAD v4.1: 162 of 1,614,056 alleles (0.01%); highest among the groups gnomAD compares: Non-Finnish European, 0.013%; no homozygotes.

Submission:

CeGaT Center for Human Genetics Tuebingen
Classification: Likely benign. Last evaluated: 2022-11-01. Review status: criteria provided, single submitter. Criteria: CeGaT Center For Human Genetics Tuebingen Variant Classification Criteria Version 2. Collection method: clinical testing. Allele origin: germline. Affected: yes. Observed: 1 variant allele.
Comment: TLE6: BP4, BP7

NM_001143986.2(TLE6):c.585C>T (p.Ser195=)

Gene: TLE6 (TLE family member 6, subcortical maternal complex member; plus strand). Cytogenetic location: 19p13.3.
Variant type: single nucleotide variant.
Coding change: c.585C>T on transcript NM_001143986.2 (MANE Select); coding-DNA position 585, C replaced by T.
Protein change: p.Ser195=; no amino-acid change (serine 195 retained).
Molecular consequence: synonymous variant.
Genome position (GRCh38, 1-based): chr19:2,987,750, C>T. VCF-style: chr19-2987750-C-T. GRCh37 (hg19) VCF-style: chr19-2987748-C-T.
Other names: c.216C>T, p.Ser72= (NM_024760.3).
Identifiers: ClinVar variation 1879408 (VCV001879408.29), dbSNP rs372825282, ClinGen allele CA9072723.